The following is an entry in ClinVar:

NM_000535.7(PMS2):c.251-10T>A

Gene: PMS2 (PMS1 homolog 2, mismatch repair system component; minus strand). Cytogenetic location: 7p22.1.
Variant type: single nucleotide variant.
Coding change: c.251-10T>A on transcript NM_000535.7 (MANE Select); 10 bases into the intron before coding-DNA position 251, T replaced by A.
Molecular consequence: intron variant.
Genome position (GRCh38, 1-based): chr7:6,003,802, A>T on the plus strand (T>A on the coding strand, the complement: PMS2 is on the minus strand). VCF-style: chr7-6003802-A-T. GRCh37 (hg19) VCF-style: chr7-6043433-A-T.
Other names: c.35+170T>A (NM_001322008.2, NM_001322007.2); c.-155-10T>A (NM_001322010.2, NM_001322004.2, NM_001322013.2 and 3 more transcripts); c.-634-10T>A (NM_001322012.2, NM_001322011.2); c.-234-10T>A (NM_001322015.2); c.251-10T>A (NM_001322006.2, NM_001322014.2).
Identifiers: ClinVar variation 496039 (VCV000496039.12), dbSNP rs1554304817, ClinGen allele CA658683460.

ClinVar aggregate classification (germline): Uncertain significance. Review status: criteria provided, multiple submitters, no conflicts (2 of 4 stars). 2 submissions from 2 submitters: Uncertain significance (2). Last evaluated 2024-04-11.

Conditions:
Mismatch repair cancer syndrome 1 (MMRCS1). Also called: MISMATCH REPAIR DEFICIENCY; MMR DEFICIENCY; BRAIN TUMOR-POLYPOSIS SYNDROME 1; BTP1 SYNDROME; CHILDHOOD CANCER SYNDROME. Identifiers: Orphanet 252202, MedGen C5399763, MONDO:0010159, OMIM 276300. Disease mechanism: loss of function.
Lynch syndrome. Identifiers: Orphanet 144, MedGen C4552100, MONDO:0005835. Disease mechanism: loss of function.
Hereditary nonpolyposis colorectal neoplasms. Identifiers: MedGen C0009405, MeSH D003123.

Submissions (2):

Labcorp Genetics (formerly Invitae), Labcorp
Classification: Uncertain significance for Hereditary nonpolyposis colorectal neoplasms. Last evaluated: 2024-04-11. Review status: criteria provided, single submitter. Criteria: Invitae Variant Classification Sherloc (09022015). Collection method: clinical testing. Allele origin: germline.
Comment: This sequence change falls in intron 3 of the PMS2 gene. It does not directly change the encoded amino acid sequence of the PMS2 protein. This variant is not present in population databases (gnomAD no frequency). This variant has not been reported in the literature in individuals affected with PMS2-related conditions. ClinVar contains an entry for this variant (Variation ID: 496039). Algorithms developed to predict the effect of sequence changes on RNA splicing suggest that this variant may disrupt the consensus splice site. In summary, the available evidence is currently insufficient to determine the role of this variant in disease. Therefore, it has been classified as a Variant of Uncertain Significance.

Women's Health and Genetics/Laboratory Corporation of America, LabCorp
Classification: Uncertain significance. Last evaluated: 2016-12-21. Review status: criteria provided, single submitter. Criteria: LabCorp Variant Classification Summary - May 2015. Collection method: clinical testing. Allele origin: germline.
Comment: Variant summary: The PMS2 c.251-10T>A variant involves the alteration of a non-conserved intronic nucleotide. Mutation Taster predicts a benign outcome for this variant. 3/5 splice prediction tools predict a significant impact on normal splicing. ESEfinder also predicts the variant to affect binding of ESE sites. However, these predictions have yet to be confirmed by functional studies. This variant is absent in 115058 control chromosomes from ExAC. The variant of interest has not, to our knowledge, been reported in affected individuals via publications and/or reputable databases/clinical diagnostic laboratories, nor evaluated for functional impact by in vivo/vitro studies. Because of the absence of clinical information and the lack of functional studies, the variant is classified as a variant of uncertain significance (VUS) until additional information becomes available.